The following is an entry in ClinVar:

ClinVar aggregate classification (germline): Uncertain significance. Review status: criteria provided, multiple submitters, no conflicts (2 of 4 stars). 2 submissions from 2 submitters: Uncertain significance (2). Last evaluated 2023-10-01.

Allele frequency attached by ClinVar (database versions not stated): gnomAD exomes below 0.00001; TOPMed below 0.00001; gnomAD 0.00001.
gnomAD v4.1: 3 of 1,613,748 alleles (0.00019%); highest among the groups gnomAD compares: Non-Finnish European, 0.00017%; no homozygotes.

Submissions (2):

CeGaT Center for Human Genetics Tuebingen
Classification: Uncertain significance. Last evaluated: 2023-10-01. Review status: criteria provided, single submitter. Criteria: CeGaT Center For Human Genetics Tuebingen Variant Classification Criteria Version 2. Collection method: clinical testing. Allele origin: germline. Affected: yes. Observed: 1 variant allele.
Comment: DNM1L: PM2, PP2

GeneDx
Classification: Uncertain significance. Last evaluated: 2023-05-05. Review status: criteria provided, single submitter. Criteria: GeneDx Variant Classification Process June 2021. Collection method: clinical testing. Allele origin: germline. Affected: yes.
Comment: Not observed at significant frequency in large population cohorts (gnomAD); In silico analysis supports that this missense variant has a deleterious effect on protein structure/function; Has not been previously published as pathogenic or benign to our knowledge

NM_012062.5(DNM1L):c.514C>T (p.Arg172Trp)

Gene: DNM1L (dynamin 1L; plus strand). Cytogenetic location: 12p11.21.
Variant type: single nucleotide variant.
Coding change: c.514C>T on transcript NM_012062.5 (MANE Select); coding-DNA position 514, C replaced by T.
Protein change: p.Arg172Trp; replaces arginine 172 with tryptophan.
Molecular consequence: missense variant. On other transcripts: intron variant (1).
Genome position (GRCh38, 1-based): chr12:32,713,266, C>T. VCF-style: chr12-32713266-C-T. GRCh37 (hg19) VCF-style: chr12-32866200-C-T.
Other names: c.514C>T (NM_012062.3); c.553C>T, p.Arg185Trp (NM_001278465.2, NM_001330380.2, NM_001278464.2); c.514C>T, p.Arg172Trp (NM_005690.5, NM_012063.4, NM_001278463.2); c.131+5853C>T (NM_001278466.2); short protein forms R172W, R185W.
Identifiers: ClinVar variation 2642838 (VCV002642838.25), dbSNP rs1308058855, ClinGen allele CA384367436.